The following is an entry in ClinVar:

NM_000092.5(COL4A4):c.*4602C>G

Gene: COL4A4 (collagen type IV alpha 4 chain; minus strand). Cytogenetic location: 2q36.3.
Variant type: single nucleotide variant.
Coding change: c.*4602C>G on transcript NM_000092.5 (MANE Select); 4602 bases downstream of the stop codon, C replaced by G.
Molecular consequence: 3 prime UTR variant.
Genome position (GRCh38, 1-based): chr2:227,002,723, G>C on the plus strand (C>G on the coding strand, the complement: COL4A4 is on the minus strand). VCF-style: chr2-227002723-G-C. GRCh37 (hg19) VCF-style: chr2-227867439-G-C.
Identifiers: ClinVar variation 334637 (VCV000334637.6), dbSNP rs1054415, ClinGen allele CA10614385.
Genomic context (GRCh38, chr2:227,002,723, plus strand): 5'-AAACCCGCATTGGCTTGAAAGAAAATAAATGCACCAGATAAAACACAGTTGTTTTTGGAA[G>C]TCATCACAGAATTTTATATATAATGAACCATATTATAAATCGTAATACAACAAATATTTA-3'

ClinVar aggregate classification (germline): Benign. Review status: criteria provided, multiple submitters, no conflicts (2 of 4 stars). 2 submissions from 2 submitters: Benign (2). Last evaluated 2018-01-13.

Conditions:
Alport syndrome. Also called: Hemorrhagic familial nephritis; Hemorrhagic hereditary nephritis; Congenital hereditary hematuria. Identifiers: Orphanet 63, MedGen C1567741, MONDO:0018965.

Allele frequency attached by ClinVar (database versions not stated): 1000 Genomes Project 0.09685; gnomAD 0.07711 and 0.07424; 1000 Genomes Project 30x 0.09666; gnomAD exomes 0.07452; TOPMed 0.07561.
gnomAD v4.1: 11,742 of 152,710 alleles (7.7%); highest among the groups gnomAD compares: East Asian, 18%; 491 homozygotes.

Submissions (2):

Illumina Laboratory Services, Illumina
Classification: Benign for Alport syndrome. Last evaluated: 2018-01-13. Review status: criteria provided, single submitter. Criteria: ICSL Variant Classification Criteria 13 December 2019. Collection method: clinical testing. Allele origin: germline.
Comment: This variant was observed in the ICSL laboratory as part of a predisposition screen in an ostensibly healthy population. It had not been previously curated by ICSL or reported in the Human Gene Mutation Database (HGMD: prior to June 1st, 2018), and was therefore a candidate for classification through an automated scoring system. Utilizing variant allele frequency, disease prevalence and penetrance estimates, and inheritance mode, an automated score was calculated to assess if this variant is too frequent to cause the disease. Based on the score and internal cut-off values, a variant classified as benign is not then subjected to further curation. The score for this variant resulted in a classification of benign for this disease.

Breakthrough Genomics
Classification: Benign. Review status: criteria provided, single submitter. Criteria: ACMG Guidelines, 2015. Collection method: not provided. Allele origin: germline. Inheritance: Autosomal recessive inheritance. Affected: yes.